The following is an entry in ClinVar:

ClinVar aggregate classification (germline): Uncertain significance (1 of 4 stars; one submission).

Submission:

Ambry Genetics
Classification: Uncertain significance. Last evaluated: 2023-02-28. Review status: criteria provided, single submitter. Criteria: Ambry Variant Classification Scheme 2023. Collection method: clinical testing. Allele origin: germline.
Comment: The p.Q749H variant (also known as c.2247A>T), located in coding exon 14 of the POLQ gene, results from an A to T substitution at nucleotide position 2247. The glutamine at codon 749 is replaced by histidine, an amino acid with highly similar properties. This amino acid position is conserved. In addition, the in silico prediction for this alteration is inconclusive. Since supporting evidence is limited at this time, the clinical significance of this alteration remains unclear.

NM_199420.4(POLQ):c.2247A>T (p.Gln749His)

Gene: POLQ (DNA polymerase theta; minus strand). Cytogenetic location: 3q13.33.
Variant type: single nucleotide variant.
Coding change: c.2247A>T on transcript NM_199420.4 (MANE Select); coding-DNA position 2247, A replaced by T.
Protein change: p.Gln749His; replaces glutamine 749 with histidine.
Molecular consequence: missense variant.
Genome position (GRCh38, 1-based): chr3:121,496,839, T>A on the plus strand (A>T on the coding strand, the complement: POLQ is on the minus strand). VCF-style: chr3-121496839-T-A. GRCh37 (hg19) VCF-style: chr3-121215686-T-A.
Other names: short protein forms Q749H.
Identifiers: ClinVar variation 2449035 (VCV002449035.2), dbSNP rs569194595, ClinGen allele CA354108914.